The following is an entry in ClinVar:

ClinVar aggregate classification (germline): Conflicting classifications of pathogenicity. Review status: criteria provided, conflicting classifications (1 of 4 stars). 4 submissions from 4 submitters: Uncertain significance (3); Likely benign (1). Last evaluated 2023-03-01.

Conditions:
Inborn genetic diseases. Identifiers: MedGen C0950123, MeSH D030342.

Allele frequency attached by ClinVar (database versions not stated): ExAC 0.00002; gnomAD 0.00004; TOPMed 0.00004.
gnomAD v4.1: 93 of 1,613,430 alleles (0.0058%); highest among the groups gnomAD compares: Non-Finnish European, 0.0072%; no homozygotes.

Submissions (4):

CeGaT Center for Human Genetics Tuebingen
Classification: Uncertain significance. Last evaluated: 2023-03-01. Review status: criteria provided, single submitter. Criteria: CeGaT Center For Human Genetics Tuebingen Variant Classification Criteria Version 2. Collection method: clinical testing. Allele origin: germline. Affected: yes. Observed: 1 variant allele.
Comment: ABCC6: PM2

Labcorp Genetics (formerly Invitae), Labcorp
Classification: Uncertain significance. Last evaluated: 2022-03-09. Review status: criteria provided, single submitter. Criteria: Invitae Variant Classification Sherloc (09022015). Collection method: clinical testing. Allele origin: germline.
Comment: This sequence change replaces glycine, which is neutral and non-polar, with arginine, which is basic and polar, at codon 625 of the ABCC6 protein (p.Gly625Arg). This variant is present in population databases (rs780626660, gnomAD 0.008%). This variant has not been reported in the literature in individuals affected with ABCC6-related conditions. Advanced modeling of protein sequence and biophysical properties (such as structural, functional, and spatial information, amino acid conservation, physicochemical variation, residue mobility, and thermodynamic stability) performed at Invitae indicates that this missense variant is not expected to disrupt ABCC6 protein function. In summary, the available evidence is currently insufficient to determine the role of this variant in disease. Therefore, it has been classified as a Variant of Uncertain Significance.

Ambry Genetics
Classification: Uncertain significance for Inborn genetic diseases. Last evaluated: 2021-07-16. Review status: criteria provided, single submitter. Criteria: Ambry Variant Classification Scheme 2023. Collection method: clinical testing. Allele origin: germline.

Blueprint Genetics
Classification: Likely benign. Last evaluated: 2020-10-13. Review status: criteria provided, single submitter. Criteria: ACMG Guidelines, 2015. Collection method: clinical testing. Allele origin: germline.

NM_001171.6(ABCC6):c.1873G>A (p.Gly625Arg)

Gene: ABCC6 (ATP binding cassette subfamily C member 6; minus strand). Cytogenetic location: 16p13.11.
Variant type: single nucleotide variant.
Coding change: c.1873G>A on transcript NM_001171.6 (MANE Select); coding-DNA position 1873, G replaced by A.
Protein change: p.Gly625Arg; replaces glycine 625 with arginine.
Molecular consequence: missense variant. On other transcripts: non-coding transcript variant (1).
Genome position (GRCh38, 1-based): chr16:16,185,029, C>T on the plus strand (G>A on the coding strand, the complement: ABCC6 is on the minus strand). VCF-style: chr16-16185029-C-T. GRCh37 (hg19) VCF-style: chr16-16278886-C-T.
Other names: c.1531G>A, p.Gly511Arg (NM_001351800.1); c.1873G>A (NM_001171.5); short protein forms G511R, G625R.
Identifiers: ClinVar variation 2160111 (VCV002160111.31), dbSNP rs780626660, ClinGen allele CA7926118.
Genomic context (GRCh38, chr16:16,185,029, plus strand): 5'-AGGGAGGGCTTTCCTGGGACCAGGCGAAGGTGGCACTGTGTATGGTGATGCAATCCTTCC[C>T]GGCAGCTGCAGGGCACAAGAGGCCATTTACAGGAGACCCCTGACCTGGCCGGCCTCTGCA-3'
Protein context (NP_001162.5, residues 615-635): VDSSSSGSAA[Gly625Arg]KDCITIHSAT